The following is an entry in ClinVar:

NM_001267550.2(TTN):c.70115del (p.Pro23372fs)

Genes: TTN-AS1 (TTN antisense RNA 1; plus strand), TTN (titin; minus strand), LOC126806422 (BRD4-independent group 4 enhancer GRCh37_chr2:179440205-179441404; plus strand). Cytogenetic location: 2q31.2.
Variant type: Deletion.
Coding change: c.70115del on transcript NM_001267550.2 (MANE Select); coding-DNA position 70115, one base deleted (C; older notation c.70115delC).
Protein change: p.Pro23372fs; shifts the reading frame from proline 23372.
Molecular consequence: frameshift variant.
Genome position (GRCh38, 1-based): chr2:178,576,017, G deleted on the plus strand (C on the coding strand, the reverse complement: TTN is on the minus strand); the first of 2 consecutive G bases (chr2:178,576,017-178,576,018); deleting either gives the same sequence. VCF-style (leftmost placement, unchanged base first): chr2-178576016-AG-A. GRCh37 (hg19) VCF-style: chr2-179440743-AG-A.
Other names: c.65192del, p.Pro21731fs (NM_001256850.1); c.42920del, p.Pro14307fs (NM_003319.4); c.62411del, p.Pro20804fs (NM_133378.4); c.43295del, p.Pro14432fs (NM_133432.3); c.43496del, p.Pro14499fs (NM_133437.4); short protein forms P14307fs, P20804fs, P23372fs, P14432fs, P14499fs, P21731fs.
Identifiers: ClinVar variation 2954218 (VCV002954218.3), dbSNP rs2468707560, ClinGen allele CA2740096029.

ClinVar aggregate classification (germline): Likely pathogenic (1 of 4 stars; one submission).

Conditions:
Autosomal recessive limb-girdle muscular dystrophy type 2J (LGMDR10). Also called: Limb-girdle muscular dystrophy, type 2J; MUSCULAR DYSTROPHY, LIMB-GIRDLE, AUTOSOMAL RECESSIVE 10. Identifiers: Orphanet 140922, MedGen C1837342, MONDO:0012127, OMIM 608807.
Dilated cardiomyopathy 1G (CMD1G). Identifiers: Orphanet 154, MedGen C1858763, MONDO:0011400, OMIM 604145.

Submission:

Labcorp Genetics (formerly Invitae), Labcorp
Classification: Likely pathogenic for Dilated cardiomyopathy 1G; Autosomal recessive limb-girdle muscular dystrophy type 2J. Last evaluated: 2025-02-28. Review status: criteria provided, single submitter. Criteria: Invitae Variant Classification Sherloc (09022015). Collection method: clinical testing. Allele origin: germline.
Comment: This sequence change creates a premature translational stop signal (p.Pro23372Leufs*5) in the TTN gene. While this is not anticipated to result in nonsense mediated decay, it is expected to create a truncated TTN protein. This variant is not present in population databases (gnomAD no frequency). This variant has not been reported in the literature in individuals affected with TTN-related conditions. ClinVar contains an entry for this variant (Variation ID: 2954218). This variant is located in the A band of TTN (PMID: 25589632). Truncating variants in this region are significantly overrepresented in patients affected with dilated cardiomyopathy (PMID: 25589632). Truncating variants in this region have also been reported in individuals affected with autosomal recessive centronuclear myopathy (PMID: 23975875). In summary, the currently available evidence indicates that the variant is pathogenic, but additional data are needed to prove that conclusively. Therefore, this variant has been classified as Likely Pathogenic.

Literature cited by the submitters: PubMed 25589632; PubMed 23975875.